The following is an entry in ClinVar:

NM_001267550.2(TTN):c.3850del (p.Ser1284fs)

Genes: TTN (titin; minus strand), LOC101927055 (uncharacterized LOC101927055; plus strand). Cytogenetic location: 2q31.2.
Variant type: Deletion.
Coding change: c.3850del on transcript NM_001267550.2 (MANE Select); coding-DNA position 3850, one base deleted (T; older notation c.3850delT).
Protein change: p.Ser1284fs; shifts the reading frame from serine 1284.
Molecular consequence: frameshift variant.
Genome position (GRCh38, 1-based): chr2:178,779,342, A deleted on the plus strand (T on the coding strand, the reverse complement: TTN is on the minus strand); the first of 3 consecutive A bases (chr2:178,779,342-178,779,344); deleting any one gives the same sequence. VCF-style (leftmost placement, unchanged base first): chr2-178779341-GA-G. GRCh37 (hg19) VCF-style: chr2-179644068-GA-G.
Other names: c.3850del, p.Ser1284fs (NM_001256850.1, NM_133378.4, NM_133379.5); c.3712del, p.Ser1238fs (NM_003319.4, NM_133432.3, NM_133437.4); short protein forms S1238fs, S1284fs.
Identifiers: ClinVar variation 3895244 (VCV003895244.1).

ClinVar aggregate classification (germline): Likely pathogenic (1 of 4 stars; one submission).

Conditions:
Cardiovascular phenotype. Identifiers: MedGen CN230736.

Submission:

Molecular Diagnostic Laboratory for Inherited Cardiovascular Disease, Montreal Heart Institute
Classification: Likely pathogenic for Cardiovascular phenotype. Last evaluated: 2024-05-02. Review status: criteria provided, single submitter. Criteria: ACMG Guidelines, 2015. Collection method: clinical testing. Allele origin: germline. Affected: yes.
Comment: PVS1, PM2